The following is an entry in ClinVar:

NM_032043.3(BRIP1):c.114C>T (p.Ser38=)

Gene: BRIP1 (BRCA1 interacting DNA helicase 1; minus strand). Cytogenetic location: 17q23.2.
Variant type: single nucleotide variant.
Coding change: c.114C>T on transcript NM_032043.3 (MANE Select); coding-DNA position 114, C replaced by T.
Protein change: p.Ser38=; no amino-acid change (serine 38 retained).
Molecular consequence: synonymous variant.
Genome position (GRCh38, 1-based): chr17:61,859,887, G>A on the plus strand (C>T on the coding strand, the complement: BRIP1 is on the minus strand). VCF-style: chr17-61859887-G-A. GRCh37 (hg19) VCF-style: chr17-59937248-G-A.
Other names: c.114C>T (NM_032043.2).
Identifiers: ClinVar variation 1037056 (VCV001037056.12), dbSNP rs2078951392, ClinGen allele CA501151725.

ClinVar aggregate classification (germline): Conflicting classifications of pathogenicity. Review status: criteria provided, conflicting classifications (1 of 4 stars). 4 submissions from 4 submitters: Uncertain significance (1); Benign (1); Likely benign (2). Last evaluated 2025-02-26.

Conditions:
Familial cancer of breast. Also called: Hereditary breast cancer; hereditary breast carcinoma; BREAST CANCER, FAMILIAL. Identifiers: Orphanet 227535, MedGen C0346153, MONDO:0016419, OMIM 114480. Disease mechanism: loss of function.
Fanconi anemia complementation group J. Also called: BRIP1-Related Fanconi Anemia. Identifiers: Orphanet 84, MedGen C1836860, MONDO:0012187, OMIM 609054.
Hereditary cancer-predisposing syndrome. Also called: Neoplastic Syndromes, Hereditary; Hereditary Cancer Syndrome; Tumor predisposition; Hereditary neoplastic syndrome. Identifiers: Orphanet 140162, MedGen C0027672, MeSH D009386, MONDO:0015356.

Submissions (4):

Quest Diagnostics Nichols Institute San Juan Capistrano
Classification: Uncertain significance. Last evaluated: 2025-02-26. Review status: criteria provided, single submitter. Criteria: Quest Diagnostics criteria. Collection method: clinical testing. Allele origin: unknown.
Comment: The BRIP1 c.114C>T (p.Ser38=) synonymous variant has not been reported in individuals with BRIP1-related conditions in the published literature. It also has not been reported in large, multi-ethnic general populations (Genome Aggregation Database). Analysis of this variant using software algorithms for the prediction of the effect of nucleotide changes on BRIP1 mRNA splicing yielded predictions that this variant may result in the gain of a cryptic splice site without affecting the natural splice sites. Based on the available information, we are unable to determine the clinical significance of this variant.

Ambry Genetics
Classification: Likely benign for Hereditary cancer-predisposing syndrome. Last evaluated: 2024-08-18. Review status: criteria provided, single submitter. Criteria: Ambry Variant Classification Scheme 2023. Collection method: clinical testing. Allele origin: germline.

Myriad Genetics, Inc.
Classification: Benign for Familial cancer of breast. Last evaluated: 2024-08-09. Review status: criteria provided, single submitter. Criteria: Myriad Autosomal Dominant, Autosomal Recessive and X-Linked Classification Criteria (2023). Collection method: clinical testing. Allele origin: unknown.
Comment: This variant is considered benign. This variant is a silent/synonymous amino acid change and it is not expected to impact splicing.

Labcorp Genetics (formerly Invitae), Labcorp
Classification: Likely benign for Familial cancer of breast; Fanconi anemia complementation group J. Last evaluated: 2023-10-03. Review status: criteria provided, single submitter. Criteria: Invitae Variant Classification Sherloc (09022015). Collection method: clinical testing. Allele origin: germline.